The following is an entry in ClinVar:

ClinVar aggregate classification (germline): Uncertain significance (1 of 4 stars; one submission).

Conditions:
Hereditary pheochromocytoma and paraganglioma. Also called: Hereditary Paraganglioma-Pheochromocytoma Syndromes; Hereditary paragangliomas and pheochromocytomas; Hereditary pheochromocytoma-paraganglioma. Identifiers: Orphanet 29072, MedGen C4274332, MONDO:0017366.

Submission:

Color Diagnostics, LLC DBA Color Health
Classification: Uncertain significance for Hereditary pheochromocytoma and paraganglioma. Last evaluated: 2025-07-21. Review status: criteria provided, single submitter. Criteria: ACMG Guidelines, 2015. Collection method: clinical testing. Allele origin: germline.
Comment: This missense variant replaces serine with glycine at codon 144 of the SDHB protein. Computational prediction is inconclusive regarding the impact of this variant on protein structure and function. To our knowledge, functional studies have not been reported for this variant. This variant has not been reported in individuals affected with SDHB-related disorders in the literature. This variant has not been identified in the general population by the Genome Aggregation Database (gnomAD). The available evidence is insufficient to determine the role of this variant in disease conclusively. Therefore, this variant is classified as a Variant of Uncertain Significance.

NM_003000.3(SDHB):c.430A>G (p.Ser144Gly)

Gene: SDHB (succinate dehydrogenase complex iron sulfur subunit B; minus strand). Cytogenetic location: 1p36.13.
Variant type: single nucleotide variant.
Coding change: c.430A>G on transcript NM_003000.3 (MANE Select); coding-DNA position 430, A replaced by G.
Protein change: p.Ser144Gly; replaces serine 144 with glycine.
Molecular consequence: missense variant.
Genome position (GRCh38, 1-based): chr1:17,027,859, T>C on the plus strand (A>G on the coding strand, the complement: SDHB is on the minus strand). VCF-style: chr1-17027859-T-C. GRCh37 (hg19) VCF-style: chr1-17354354-T-C.
Other names: c.376A>G, p.Ser126Gly (NM_001407361.1); short protein forms S126G, S144G.
Identifiers: ClinVar variation 4757717 (VCV004757717.1).
Genomic context (GRCh38, chr1:17,027,859, plus strand): 5'-GAGATTCATCCTTCTTCTTCAAATAAGGCTCAATGGATTTGTACTGTGCATAGAAGTTGC[T>C]CAAATCCTGTGGTTAAGAGGAAGAAGAAGAAGAAGAAGAAGAAAAGGATCAGATTCCATC-3'
Protein context (NP_002991.2, residues 134-154): YVIKDLVPDL[Ser144Gly]NFYAQYKSIE